The following is an entry in ClinVar:

ClinVar aggregate classification (germline): Uncertain significance (1 of 4 stars; one submission).

Conditions:
TP63-Related Spectrum Disorders.

Allele frequency attached by ClinVar (database versions not stated): gnomAD 0.00001; gnomAD exomes 0.00001; TOPMed 0.00001.
gnomAD v4.1: 21 of 1,613,754 alleles (0.0013%); highest among the groups gnomAD compares: Non-Finnish European, 0.0014%; no homozygotes.

Submission:

Labcorp Genetics (formerly Invitae), Labcorp
Classification: Uncertain significance. Last evaluated: 2023-02-04. Review status: criteria provided, single submitter. Criteria: Invitae Variant Classification Sherloc (09022015). Collection method: clinical testing. Allele origin: germline.
Comment: In summary, the available evidence is currently insufficient to determine the role of this variant in disease. Therefore, it has been classified as a Variant of Uncertain Significance. Advanced modeling of protein sequence and biophysical properties (such as structural, functional, and spatial information, amino acid conservation, physicochemical variation, residue mobility, and thermodynamic stability) has been performed at Invitae for this missense variant, however the output from this modeling did not meet the statistical confidence thresholds required to predict the impact of this variant on TP63 protein function. This variant has not been reported in the literature in individuals affected with TP63-related conditions. This variant is present in population databases (no rsID available, gnomAD 0.0009%). This sequence change replaces arginine, which is basic and polar, with glutamine, which is neutral and polar, at codon 634 of the TP63 protein (p.Arg634Gln).

NM_003722.5(TP63):c.1901G>A (p.Arg634Gln)

Gene: TP63 (tumor protein p63; plus strand). Cytogenetic location: 3q28.
Variant type: single nucleotide variant.
Coding change: c.1901G>A on transcript NM_003722.5 (MANE Select); coding-DNA position 1901, G replaced by A.
Protein change: p.Arg634Gln; replaces arginine 634 with glutamine.
Molecular consequence: missense variant. On other transcripts: 3 prime UTR variant (6).
Genome position (GRCh38, 1-based): chr3:189,894,360, G>A. VCF-style: chr3-189894360-G-A. GRCh37 (hg19) VCF-style: chr3-189612149-G-A.
Other names: c.*139G>A (NM_001114978.2, NM_001114981.2); c.1619G>A, p.Arg540Gln (NM_001114980.2); c.*129G>A (NM_001329144.2, NM_001329145.2, NM_001329149.2 and 1 more transcripts); c.1364G>A, p.Arg455Gln (NM_001329146.2); c.1889G>A, p.Arg630Gln (NM_001329148.2); c.1895G>A, p.Arg632Gln (NM_001329964.2); short protein forms R540Q, R634Q, R455Q, R630Q, R632Q.
Identifiers: ClinVar variation 2738138 (VCV002738138.2), dbSNP rs921649285, ClinGen allele CA89713315.